The following is an entry in ClinVar:

ClinVar aggregate classification (germline): Likely pathogenic (1 of 4 stars; one submission).

Conditions:
Sjögren-Larsson syndrome (SLS). Also called: FALDH DEFICIENCY; FATTY ALCOHOL:NAD+ OXIDOREDUCTASE DEFICIENCY; FATTY ALDEHYDE DEHYDROGENASE DEFICIENCY; ICHTHYOSIS, SPASTIC NEUROLOGIC DISORDER, AND OLIGOPHRENIA. Identifiers: Orphanet 816, MedGen C0037231, MONDO:0010031, OMIM 270200.

Submission:

Department of Pediatrics, Nagoya University Graduate School of Medicine
Classification: Likely pathogenic for Sjögren-Larsson syndrome. Last evaluated: 2025-10-02. Review status: criteria provided, single submitter. Criteria: ACMG Guidelines, 2015. Collection method: research, in vitro. Allele origin: maternal, not applicable. Affected: yes. Observed: 1 variant allele. Functional consequence: skipped exon.
Comment: The ALDH3A2 variant (NM_000382.3:c.154-2A>G) is predicted to disrupt the canonical splice acceptor site of intron 2. RNA analysis confirmed skipping of exon 2, resulting in an out-of-frame deletion of 232 base pairs. Although direct evidence of nonsense-mediated mRNA decay (NMD) was not demonstrated, the frameshift introduces a premature termination codon in exon 3, predicted to produce a truncated protein lacking the catalytic domain. This variant is absent from large population databases, including gnomAD. Based on these findings, the following ACMG/AMP criteria were applied to classify this variant as Likely Pathogenic: PVS1_Strong, PM2, and PP4.

NM_000382.3(ALDH3A2):c.154-2A>G

Gene: ALDH3A2 (aldehyde dehydrogenase 3 family member A2; plus strand). Cytogenetic location: 17p11.2.
Variant type: single nucleotide variant.
Coding change: c.154-2A>G on transcript NM_000382.3 (MANE Select); the canonical splice acceptor site of the intron before coding-DNA position 154, A replaced by G.
Molecular consequence: splice acceptor variant.
Genome position (GRCh38, 1-based): chr17:19,651,545, A>G. VCF-style: chr17-19651545-A-G. GRCh37 (hg19) VCF-style: chr17-19554858-A-G.
Other names: c.154-2A>G (NM_001369136.1, NM_001369139.1, NM_001369137.2 and 3 more transcripts); c.-535-2A>G (NM_001369148.2).
Identifiers: ClinVar variation 4812820 (VCV004812820.1).